The following is an entry in ClinVar:

NM_002354.3(EPCAM):c.529G>C (p.Asp177His)

Gene: EPCAM (epithelial cell adhesion molecule; plus strand). Cytogenetic location: 2p21.
Variant type: single nucleotide variant.
Coding change: c.529G>C on transcript NM_002354.3 (MANE Select); coding-DNA position 529, G replaced by C.
Protein change: p.Asp177His; replaces aspartic acid 177 with histidine.
Molecular consequence: missense variant.
Genome position (GRCh38, 1-based): chr2:47,377,051, G>C. VCF-style: chr2-47377051-G-C. GRCh37 (hg19) VCF-style: chr2-47604190-G-C.
Other names: short protein forms D177H.
Identifiers: ClinVar variation 2452156 (VCV002452156.2), dbSNP rs2103753412, ClinGen allele CA346724014.
Genomic context (GRCh38, chr2:47,377,051, plus strand): 5'-TACAGATTTTAAATTCTTTACAGTGCACTTCAGAAGGAGATCACAACGCGTTATCAACTG[G>C]ATCCAAAATTTATCACGAGTATTTTGGTATGATTTTTTAATAAGTGAGCTTTAGCAGACA-3'
Protein context (NP_002345.2, residues 167-187): QKEITTRYQL[Asp177His]PKFITSILYE

ClinVar aggregate classification (germline): Uncertain significance (1 of 4 stars; one submission).

Conditions:
Hereditary cancer-predisposing syndrome. Also called: Neoplastic Syndromes, Hereditary; Tumor predisposition; Hereditary neoplastic syndrome; Hereditary Cancer Syndrome. Identifiers: Orphanet 140162, MedGen C0027672, MeSH D009386, MONDO:0015356.

Submission:

Ambry Genetics
Classification: Uncertain significance for Hereditary cancer-predisposing syndrome. Last evaluated: 2022-12-23. Review status: criteria provided, single submitter. Criteria: Ambry Variant Classification Scheme 2023. Collection method: clinical testing. Allele origin: germline.
Comment: The p.D177H variant (also known as c.529G>C), located in coding exon 5 of the EPCAM gene, results from a G to C substitution at nucleotide position 529. The aspartic acid at codon 177 is replaced by histidine, an amino acid with similar properties. This amino acid position is conserved. In addition, this alteration is predicted to be tolerated by in silico analysis. Since supporting evidence is limited at this time, the clinical significance of this alteration remains unclear.